The following is an entry in ClinVar:

ClinVar aggregate classification (germline): Benign/Likely benign. Review status: criteria provided, multiple submitters, no conflicts (2 of 4 stars). 5 submissions from 5 submitters: Benign (1); Likely benign (4). Last evaluated 2026-04-01.

Conditions:
Polycystic kidney disease, adult type (PKD1). Also called: Polycystic Kidney Disease 1, Autosomal Dominant; Polycystic kidney disease 1; Polycystic kidney disease 1, severe; POLYCYSTIC KIDNEY DISEASE 1 WITH OR WITHOUT POLYCYSTIC LIVER DISEASE; Polycystic Kidney, Autosomal Dominant; POLYCYSTIC KIDNEY DISEASE, ADULT, TYPE I. Identifiers: MedGen C3149841, MONDO:0008263, OMIM 173900.

Allele frequency attached by ClinVar (database versions not stated): gnomAD exomes 0.00010 and 0.00018; 1000 Genomes Project 30x 0.00016; ExAC 0.00016; 1000 Genomes Project 0.00020; ESP Exome Variant Server 0.00041; gnomAD 0.00060 and 0.00068; TOPMed 0.00063.
gnomAD v4.1: 238 of 1,595,250 alleles (0.015%); highest among the groups gnomAD compares: African/African-American, 0.2%; 3 homozygotes.

Submissions (5):

CeGaT Center for Human Genetics Tuebingen
Classification: Likely benign. Last evaluated: 2026-04-01. Review status: criteria provided, single submitter. Criteria: CeGaT Center For Human Genetics Tuebingen Variant Classification Criteria Version 2. Collection method: clinical testing. Allele origin: germline. Affected: yes. Observed: 1 variant allele.
Comment: PKD1: BP4, BP7

Blueprint Genetics
Classification: Likely benign. Last evaluated: 2024-10-09. Review status: criteria provided, single submitter. Criteria: ACMG Guidelines, 2015. Collection method: clinical testing. Allele origin: germline.

Fulgent Genetics
Classification: Likely benign for Polycystic kidney disease, adult type. Last evaluated: 2021-08-18. Review status: criteria provided, single submitter. Criteria: ACMG Guidelines, 2015. Collection method: clinical testing. Allele origin: unknown.

Athena Diagnostics
Classification: Benign. Last evaluated: 2016-12-28. Review status: criteria provided, single submitter. Criteria: Athena Diagnostics Criteria. Collection method: clinical testing. Allele origin: germline.

Breakthrough Genomics
Classification: Likely benign. Review status: criteria provided, single submitter. Criteria: ACMG Guidelines, 2015. Collection method: not provided. Allele origin: germline. Inheritance: Autosomal dominant inheritance. Affected: yes.

NM_001009944.3(PKD1):c.10080C>T (p.Ala3360=)

Gene: PKD1 (polycystin 1, transient receptor potential channel interacting; minus strand). Cytogenetic location: 16p13.3.
Variant type: single nucleotide variant.
Coding change: c.10080C>T on transcript NM_001009944.3 (MANE Select); coding-DNA position 10080, C replaced by T.
Protein change: p.Ala3360=; no amino-acid change (alanine 3360 retained).
Molecular consequence: synonymous variant.
Genome position (GRCh38, 1-based): chr16:2,097,955, G>A on the plus strand (C>T on the coding strand, the complement: PKD1 is on the minus strand). VCF-style: chr16-2097955-G-A. GRCh37 (hg19) VCF-style: chr16-2147956-G-A.
Other names: c.10080C>T, p.Ala3360= (NM_000296.4).
Identifiers: ClinVar variation 447944 (VCV000447944.6), dbSNP rs149924232, ClinGen allele CA7829815.